The following is an entry in ClinVar:

ClinVar aggregate classification (germline): Pathogenic (1 of 4 stars; one submission).

Submission:

GeneDx
Classification: Pathogenic. Last evaluated: 2019-06-19. Review status: criteria provided, single submitter. Criteria: GeneDx Variant Classification Process June 2021. Collection method: clinical testing. Allele origin: germline. Affected: yes.
Comment: Not observed in large population cohorts (Lek et al., 2016); In silico analysis, which includes protein predictors and evolutionary conservation, supports a deleterious effect; Has not been previously published as pathogenic or benign to our knowledge

NM_007327.4(GRIN1):c.1955C>T (p.Ala652Val)

Gene: GRIN1 (glutamate ionotropic receptor NMDA type subunit 1; plus strand). Cytogenetic location: 9q34.3.
Variant type: single nucleotide variant.
Coding change: c.1955C>T on transcript NM_007327.4 (MANE Select); coding-DNA position 1955, C replaced by T.
Protein change: p.Ala652Val; replaces alanine 652 with valine.
Molecular consequence: missense variant.
Genome position (GRCh38, 1-based): chr9:137,162,681, C>T. VCF-style: chr9-137162681-C-T. GRCh37 (hg19) VCF-style: chr9-140057133-C-T.
Other names: c.1955C>T, p.Ala652Val (NM_000832.7, NM_021569.4); c.2018C>T, p.Ala673Val (NM_001185090.2, NM_001185091.2); short protein forms A652V, A673V.
Identifiers: ClinVar variation 424537 (VCV000424537.4), dbSNP rs1064797027, ClinGen allele CA16618811.
Genomic context (GRCh38, chr9:137,162,681, plus strand): 5'-TGGGCATGGTGTGGGCCGGCTTTGCCATGATCATCGTGGCCTCCTACACCGCCAACCTGG[C>T]GGCCTTCCTGGTGCTGGACCGGCCGGAGGAGCGCATCACGGGCATCAACGACCCTCGGGT-3'
Protein context (NP_015566.1, residues 642-662): IIVASYTANL[Ala652Val]AFLVLDRPEE